The following is an entry in ClinVar:

ClinVar aggregate classification (germline): Uncertain significance (1 of 4 stars; one submission).

gnomAD v4.1: 1 of 1,613,730 alleles (0.000062%); no homozygotes.

Submission:

CeGaT Center for Human Genetics Tuebingen
Classification: Uncertain significance. Last evaluated: 2023-06-01. Review status: criteria provided, single submitter. Criteria: CeGaT Center For Human Genetics Tuebingen Variant Classification Criteria Version 2. Collection method: clinical testing. Allele origin: germline. Affected: yes. Observed: 1 variant allele.
Comment: ERBB4: PM2, PP3

NM_005235.3(ERBB4):c.1973T>C (p.Ile658Thr)

Gene: ERBB4 (erb-b2 receptor tyrosine kinase 4; minus strand). Cytogenetic location: 2q34.
Variant type: single nucleotide variant.
Coding change: c.1973T>C on transcript NM_005235.3 (MANE Select); coding-DNA position 1973, T replaced by C.
Protein change: p.Ile658Thr; replaces isoleucine 658 with threonine.
Molecular consequence: missense variant.
Genome position (GRCh38, 1-based): chr2:211,630,568, A>G on the plus strand (T>C on the coding strand, the complement: ERBB4 is on the minus strand). VCF-style: chr2-211630568-A-G. GRCh37 (hg19) VCF-style: chr2-212495293-A-G.
Other names: c.1973T>C, p.Ile658Thr (NM_001042599.2); short protein forms I658T.
Identifiers: ClinVar variation 2571116 (VCV002571116.27), dbSNP rs2125873130, ClinGen allele CA350782724.